The following is an entry in ClinVar:

ClinVar aggregate classification (germline): Benign/Likely benign. Review status: criteria provided, multiple submitters, no conflicts (2 of 4 stars). 7 submissions from 7 submitters: Benign (1); Likely benign (6). Last evaluated 2026-04-01.

Conditions:
Inborn genetic diseases. Identifiers: MedGen C0950123, MeSH D030342.

Allele frequency attached by ClinVar (database versions not stated): gnomAD exomes 0.00033; ExAC 0.00037; 1000 Genomes Project 0.00100; gnomAD 0.00118; 1000 Genomes Project 30x 0.00125; TOPMed 0.00131; ESP Exome Variant Server 0.00146.
gnomAD v4.1: 343 of 1,613,860 alleles (0.021%); highest among the groups gnomAD compares: African/African-American, 0.42%; 1 homozygote.

Submissions (8):

CeGaT Center for Human Genetics Tuebingen
Classification: Likely benign. Last evaluated: 2026-04-01. Review status: criteria provided, single submitter. Criteria: CeGaT Center For Human Genetics Tuebingen Variant Classification Criteria Version 2. Collection method: clinical testing. Allele origin: germline. Affected: yes. Observed: 1 variant allele.
Comment: CACNA1D: BP4

Labcorp Genetics (formerly Invitae), Labcorp
Classification: Benign. Last evaluated: 2026-02-02. Review status: criteria provided, single submitter. Criteria: Invitae Variant Classification Sherloc (09022015). Collection method: clinical testing. Allele origin: germline.

Mayo Clinic Laboratories, Mayo Clinic
Classification: Likely benign. Last evaluated: 2025-10-01. Review status: criteria provided, single submitter. Criteria: ACMG Guidelines, 2015. Collection method: clinical testing. Allele origin: germline. Observed: 1 variant allele.
Comment: BS1, BP7

Blueprint Genetics
Classification: Likely benign. Last evaluated: 2024-02-09. Review status: criteria provided, single submitter. Criteria: ACMG Guidelines, 2015. Collection method: clinical testing. Allele origin: germline.

Ambry Genetics
Classification: Likely benign for Inborn genetic diseases. Last evaluated: 2023-03-24. Review status: criteria provided, single submitter. Criteria: Ambry Variant Classification Scheme 2023. Collection method: clinical testing. Allele origin: germline.

GeneDx
Classification: Likely benign. Last evaluated: 2021-04-27. Review status: criteria provided, single submitter. Criteria: GeneDx Variant Classification Process June 2021. Collection method: clinical testing. Allele origin: germline. Affected: yes.

Laboratory for Molecular Medicine, Mass General Brigham Personalized Medicine
Classification: Likely benign. Last evaluated: 2017-08-25. Review status: criteria provided, single submitter. Criteria: LMM Criteria. Collection method: clinical testing. Allele origin: germline. Observed: 2 variant alleles.
Comment: c.3228-6C>G in intron 26 of CACNA1D: This variant is not expected to have clinic al significance because it has been identified in 0.38% (92/24032) of African ch romosomes including 2 homozygotes by the Genome Aggregation Database (gnomAD; dbSNP rs72556355).

Dr. Peter K. Rogan Lab, Western University
No classification provided (evidence only). Condition: Gastric cancer. Review status: no classification provided. Collection method: in vitro. Allele origin: not applicable. Functional consequence: retained intron. Not counted in ClinVar's aggregate classification.

NM_001128840.3(CACNA1D):c.3168-6C>G

Gene: CACNA1D (calcium voltage-gated channel subunit alpha1 D; plus strand). Cytogenetic location: 3p21.1.
Variant type: single nucleotide variant.
Coding change: c.3168-6C>G on transcript NM_001128840.3 (MANE Select); 6 bases into the intron before coding-DNA position 3168, C replaced by G.
Molecular consequence: intron variant.
Genome position (GRCh38, 1-based): chr3:53,747,296, C>G. VCF-style: chr3-53747296-C-G. GRCh37 (hg19) VCF-style: chr3-53781323-C-G.
Other names: p.?; c.3168-6C>G (NM_001128839.3); c.3228-6C>G (NM_000720.4).
Identifiers: ClinVar variation 227198 (VCV000227198.21), dbSNP rs72556355, ClinGen allele CA2454486.